The following is an entry in ClinVar:

NM_004783.4(TAOK2):c.2446-6C>T

Gene: TAOK2 (TAO kinase 2; plus strand). Cytogenetic location: 16p11.2.
Variant type: single nucleotide variant.
Coding change: c.2446-6C>T on transcript NM_004783.4; 6 bases into the intron before coding-DNA position 2446, C replaced by T.
Molecular consequence: intron variant.
Genome position (GRCh38, 1-based): chr16:29,990,778, C>T. VCF-style: chr16-29990778-C-T. GRCh37 (hg19) VCF-style: chr16-30002099-C-T.
Identifiers: ClinVar variation 3035101 (VCV003035101.2), dbSNP rs571235042, ClinGen allele CA7998722.
Genomic context (GRCh38, chr16:29,990,778, plus strand): 5'-TGGGGCAGGGGAGGATAGTGGGGGTGGGGGAGGAGATCCCTACAACTGGTTGTTCATCTT[C>T]CCCAGCTGCGGCTTGATGAGACCCAGGAGGCAGAGTTCCAGGCCCTTCGGCAGCAGCTTC-3'

ClinVar aggregate classification (germline): Likely benign (0 of 4 stars; one submission).

Conditions:
TAOK2-related disorder. Also called: TAOK2-related condition.

Allele frequency attached by ClinVar (database versions not stated): 1000 Genomes Project 30x 0.00016; TOPMed below 0.00001; gnomAD 0.00004; ExAC 0.00011; 1000 Genomes Project 0.00020.
gnomAD v4.1: 82 of 1,600,686 alleles (0.0051%); highest among the groups gnomAD compares: South Asian, 0.084%; no homozygotes.

Submission:

PreventionGenetics, part of Exact Sciences
Classification: Likely benign for TAOK2-related condition. Last evaluated: 2019-07-30. Review status: no assertion criteria provided. Collection method: clinical testing. Allele origin: germline.
Comment: This variant is classified as likely benign based on ACMG/AMP sequence variant interpretation guidelines (Richards et al. 2015 PMID: 25741868, with internal and published modifications).